The following is an entry in ClinVar:

ClinVar aggregate classification (germline): Uncertain significance. Review status: criteria provided, multiple submitters, no conflicts (2 of 4 stars). 4 submissions from 4 submitters: Uncertain significance (4). Last evaluated 2024-11-25.

Conditions:
Retinal dystrophy. Also called: Inherited retinal dystrophy. Identifiers: Orphanet 71862, MedGen C0854723, MeSH D058499, MONDO:0019118, HP:0000556.
Inborn genetic diseases. Identifiers: MedGen C0950123, MeSH D030342.

Allele frequency attached by ClinVar (database versions not stated): ExAC 0.00001; gnomAD 0.00001 and 0.00003; TOPMed 0.00002; gnomAD exomes 0.00003.
gnomAD v4.1: 37 of 1,611,006 alleles (0.0023%); highest among the groups gnomAD compares: East Asian, 0.02%; no homozygotes.

Submissions (4):

Blueprint Genetics
Classification: Uncertain significance. Last evaluated: 2024-11-25. Review status: criteria provided, single submitter. Criteria: ACMG Guidelines, 2015. Collection method: clinical testing. Allele origin: germline.

Ambry Genetics
Classification: Uncertain significance for Inborn genetic diseases. Last evaluated: 2024-01-30. Review status: criteria provided, single submitter. Criteria: Ambry Variant Classification Scheme 2023. Collection method: clinical testing. Allele origin: germline.

Dept Of Ophthalmology, Nagoya University
Classification: Uncertain significance for Retinal dystrophy. Last evaluated: 2023-10-01. Review status: criteria provided, single submitter. Criteria: Submitter's publication. Collection method: research. Allele origin: germline. Affected: yes.

Labcorp Genetics (formerly Invitae), Labcorp
Classification: Uncertain significance. Last evaluated: 2022-11-01. Review status: criteria provided, single submitter. Criteria: Invitae Variant Classification Sherloc (09022015). Collection method: clinical testing. Allele origin: germline.
Comment: This sequence change replaces aspartic acid, which is acidic and polar, with asparagine, which is neutral and polar, at codon 1651 of the KIAA1549 protein (p.Asp1651Asn). This variant is present in population databases (rs551170524, gnomAD 0.02%). This variant has not been reported in the literature in individuals affected with KIAA1549-related conditions. ClinVar contains an entry for this variant (Variation ID: 1381134). Algorithms developed to predict the effect of missense changes on protein structure and function are either unavailable or do not agree on the potential impact of this missense change (SIFT: "Deleterious"; PolyPhen-2: "Probably Damaging"; Align-GVGD: "Class C0"). In summary, the available evidence is currently insufficient to determine the role of this variant in disease. Therefore, it has been classified as a Variant of Uncertain Significance.

NM_001164665.2(KIAA1549):c.4951G>A (p.Asp1651Asn)

Gene: KIAA1549 (KIAA1549; minus strand). Cytogenetic location: 7q34.
Variant type: single nucleotide variant.
Coding change: c.4951G>A on transcript NM_001164665.2 (MANE Select); coding-DNA position 4951, G replaced by A.
Protein change: p.Asp1651Asn; replaces aspartic acid 1651 with asparagine.
Molecular consequence: missense variant.
Genome position (GRCh38, 1-based): chr7:138,861,435, C>T on the plus strand (G>A on the coding strand, the complement: KIAA1549 is on the minus strand). VCF-style: chr7-138861435-C-T. GRCh37 (hg19) VCF-style: chr7-138546181-C-T.
Other names: c.4951G>A, p.Asp1651Asn (NM_020910.3); c.4951G>A (NM_001164665.1); short protein forms D1651N.
Identifiers: ClinVar variation 1381134 (VCV001381134.6), dbSNP rs551170524, ClinGen allele CA4505694.
Genomic context (GRCh38, chr7:138,861,435, plus strand): 5'-AGGCCGGGAAGGGAAGGGCTGGATACCTCCCCAGTTCCACCGAGGATGGTGTCTGCACAT[C>T]GGCTGGGAGGTCAGGATCCGACTACAATGAGAAATGGCAAAGGAAGAATCACACATGAGT-3'
Protein context (NP_001158137.1, residues 1641-1661): GCPSDPDLPA[Asp1651Asn]VQTPSSVELG